The following is an entry in ClinVar:

NM_000465.4(BARD1):c.288G>A (p.Lys96=)

Gene: BARD1 (BRCA1 associated RING domain 1; minus strand). Cytogenetic location: 2q35.
Variant type: single nucleotide variant.
Coding change: c.288G>A on transcript NM_000465.4 (MANE Select); coding-DNA position 288, G replaced by A.
Protein change: p.Lys96=; no amino-acid change (lysine 96 retained).
Molecular consequence: synonymous variant. On other transcripts: non-coding transcript variant (1), intron variant (2).
Genome position (GRCh38, 1-based): chr2:214,792,373, C>T on the plus strand (G>A on the coding strand, the complement: BARD1 is on the minus strand). VCF-style: chr2-214792373-C-T. GRCh37 (hg19) VCF-style: chr2-215657097-C-T.
Other names: c.231G>A, p.Lys77= (NM_001282543.2); c.288G>A, p.Lys96= (NM_001282549.2); c.158+17039G>A (NM_001282548.2); c.215+4688G>A (NM_001282545.2).
Identifiers: ClinVar variation 460742 (VCV000460742.19), dbSNP rs1553624778, ClinGen allele CA431141924.

ClinVar aggregate classification (germline): Benign/Likely benign. Review status: criteria provided, multiple submitters, no conflicts (2 of 4 stars). 4 submissions from 4 submitters: Benign (1); Likely benign (3). Last evaluated 2026-02-02.

Conditions:
Familial cancer of breast. Also called: BREAST CANCER, FAMILIAL; hereditary breast carcinoma; Hereditary breast cancer. Identifiers: Orphanet 227535, MedGen C0346153, MONDO:0016419, OMIM 114480. Disease mechanism: loss of function.
Hereditary cancer-predisposing syndrome. Also called: Neoplastic Syndromes, Hereditary; Tumor predisposition; Hereditary Cancer Syndrome; Hereditary neoplastic syndrome. Identifiers: Orphanet 140162, MedGen C0027672, MeSH D009386, MONDO:0015356.

Submissions (4):

Labcorp Genetics (formerly Invitae), Labcorp
Classification: Likely benign for Familial cancer of breast. Last evaluated: 2026-02-02. Review status: criteria provided, single submitter. Criteria: Invitae Variant Classification Sherloc (09022015). Collection method: clinical testing. Allele origin: germline.

Myriad Genetics, Inc.
Classification: Benign for Familial cancer of breast. Last evaluated: 2024-07-19. Review status: criteria provided, single submitter. Criteria: Myriad Autosomal Dominant, Autosomal Recessive and X-Linked Classification Criteria (2023). Collection method: clinical testing. Allele origin: unknown.
Comment: This variant is considered benign. This variant is a silent/synonymous amino acid change and it is not expected to impact splicing.

Ambry Genetics
Classification: Likely benign for Hereditary cancer-predisposing syndrome. Last evaluated: 2018-10-04. Review status: criteria provided, single submitter. Criteria: Ambry Variant Classification Scheme 2023. Collection method: clinical testing. Allele origin: germline.

Color Diagnostics, LLC DBA Color Health
Classification: Likely benign for Hereditary cancer-predisposing syndrome. Last evaluated: 2018-08-14. Review status: criteria provided, single submitter. Criteria: ACMG Guidelines, 2015. Collection method: clinical testing. Allele origin: germline.